The following is an entry in ClinVar:

NM_001127649.3(PEX26):c.668-5G>T

Gene: PEX26 (peroxisomal biogenesis factor 26; plus strand). Cytogenetic location: 22q11.21.
Variant type: single nucleotide variant.
Coding change: c.668-5G>T on transcript NM_001127649.3 (MANE Select); 5 bases into the intron before coding-DNA position 668, G replaced by T.
Molecular consequence: intron variant.
Genome position (GRCh38, 1-based): chr22:18,085,107, G>T. VCF-style: chr22-18085107-G-T. GRCh37 (hg19) VCF-style: chr22-18567873-G-T.
Other names: c.668-5G>T (NM_017929.5, NM_017929.6); c.667+1375G>T (NM_001199319.2).
Identifiers: ClinVar variation 499840 (VCV000499840.15), dbSNP rs767742108, ClinGen allele CA10093391.

ClinVar aggregate classification (germline): Conflicting classifications of pathogenicity. Review status: criteria provided, conflicting classifications (1 of 4 stars). 5 submissions from 5 submitters: Uncertain significance (1); Likely benign (3). 1 of the submissions does not count toward it. Last evaluated 2026-02-03.

Conditions:
Peroxisome biogenesis disorder 7B (PBD7B). Identifiers: Orphanet 44, MedGen C3553951, MONDO:0013939, OMIM 614873.
Peroxisome biogenesis disorder 7A (Zellweger). Also called: Peroxisome biogenesis disorder 7A. Identifiers: Orphanet 912, MedGen C3888385, MONDO:0013938, OMIM 614872.
PEX26-related disorder. Also called: PEX26-related condition.

Allele frequency attached by ClinVar (database versions not stated): TOPMed 0.00005; gnomAD 0.00012; gnomAD exomes 0.00012 and 0.00013; ExAC 0.00016.

Submissions (5):

Labcorp Genetics (formerly Invitae), Labcorp
Classification: Likely benign for Peroxisome biogenesis disorder 7A (Zellweger); Peroxisome biogenesis disorder 7B. Last evaluated: 2026-02-03. Review status: criteria provided, single submitter. Criteria: Invitae Variant Classification Sherloc (09022015). Collection method: clinical testing. Allele origin: germline.

Laboratory of Genetics, Children's Clinical University Hospital Latvia
Classification: Likely benign. Last evaluated: 2025-02-16. Review status: criteria provided, single submitter. Criteria: ACMG Guidelines, 2015. Collection method: clinical testing. Allele origin: germline. Affected: yes.

Blueprint Genetics
Classification: Likely benign. Last evaluated: 2024-10-03. Review status: criteria provided, single submitter. Criteria: ACMG Guidelines, 2015. Collection method: clinical testing. Allele origin: germline.

Eurofins Ntd Llc (ga)
Classification: Uncertain significance. Last evaluated: 2017-12-05. Review status: criteria provided, single submitter. Criteria: EGL Classification Definitions 2015. Collection method: clinical testing. Allele origin: germline. Observed: 3 variant alleles, 3 heterozygotes.

PreventionGenetics, part of Exact Sciences
Classification: Likely benign for PEX26-related condition. Last evaluated: 2024-09-12. Review status: no assertion criteria provided. Collection method: clinical testing. Allele origin: germline. Not counted in ClinVar's aggregate classification.
Comment: This variant is classified as likely benign based on ACMG/AMP sequence variant interpretation guidelines (Richards et al. 2015 PMID: 25741868, with internal and published modifications).